The following is an entry in ClinVar:

NM_003742.4(ABCB11):c.76+2T>G

Gene: ABCB11 (ATP binding cassette subfamily B member 11; minus strand). Cytogenetic location: 2q31.1.
Variant type: single nucleotide variant.
Coding change: c.76+2T>G on transcript NM_003742.4 (MANE Select); the canonical splice donor site of the intron after coding-DNA position 76, T replaced by G.
Molecular consequence: splice donor variant.
Genome position (GRCh38, 1-based): chr2:169,018,048, A>C on the plus strand (T>G on the coding strand, the complement: ABCB11 is on the minus strand). VCF-style: chr2-169018048-A-C. GRCh37 (hg19) VCF-style: chr2-169874558-A-C.
Identifiers: ClinVar variation 3693012 (VCV003693012.2).

ClinVar aggregate classification (germline): Likely pathogenic (1 of 4 stars; one submission).

gnomAD v4.1: 1 of 1,611,958 alleles (0.000062%); highest among the groups gnomAD compares: Non-Finnish European, 0.000085%; no homozygotes.

Submission:

Labcorp Genetics (formerly Invitae), Labcorp
Classification: Likely pathogenic. Last evaluated: 2024-03-21. Review status: criteria provided, single submitter. Criteria: Invitae Variant Classification Sherloc (09022015). Collection method: clinical testing. Allele origin: germline.
Comment: This sequence change affects a donor splice site in intron 2 of the ABCB11 gene. It is expected to disrupt RNA splicing. Variants that disrupt the donor or acceptor splice site typically lead to a loss of protein function (PMID: 16199547), and loss-of-function variants in ABCB11 are known to be pathogenic (PMID: 18395098, 20232290). This variant is not present in population databases (gnomAD no frequency). This variant has not been reported in the literature in individuals affected with ABCB11-related conditions. Algorithms developed to predict the effect of sequence changes on RNA splicing suggest that this variant may disrupt the consensus splice site. In summary, the currently available evidence indicates that the variant is pathogenic, but additional data are needed to prove that conclusively. Therefore, this variant has been classified as Likely Pathogenic.

Literature cited by the submitters: PubMed 16199547; PubMed 18395098; PubMed 20232290.